The following is an entry in ClinVar:

NM_002755.4(MAP2K1):c.1024T>G (p.Leu342Val)

Gene: MAP2K1 (mitogen-activated protein kinase kinase 1; plus strand). Cytogenetic location: 15q22.31.
Variant type: single nucleotide variant.
Coding change: c.1024T>G on transcript NM_002755.4 (MANE Select); coding-DNA position 1024, T replaced by G.
Protein change: p.Leu342Val; replaces leucine 342 with valine.
Molecular consequence: missense variant.
Genome position (GRCh38, 1-based): chr15:66,489,719, T>G. VCF-style: chr15-66489719-T-G. GRCh37 (hg19) VCF-style: chr15-66782057-T-G.
Other names: c.880T>G, p.Leu294Val (NM_001411065.1); short protein forms L294V, L342V.
Identifiers: ClinVar variation 1707080 (VCV001707080.2), dbSNP rs2545107754, ClinGen allele CA392938454.

ClinVar aggregate classification (germline): Uncertain significance (1 of 4 stars; one submission).

Submission:

GeneDx
Classification: Uncertain significance. Last evaluated: 2022-03-25. Review status: criteria provided, single submitter. Criteria: GeneDx Variant Classification Process June 2021. Collection method: clinical testing. Allele origin: germline. Affected: yes.
Comment: Not observed at significant frequency in large population cohorts (gnomAD); Missense variants in this gene are often considered pathogenic (HGMD); In silico analysis supports that this missense variant has a deleterious effect on protein structure/function; Has not been previously published as pathogenic or benign to our knowledge